The following is an entry in ClinVar:

ClinVar aggregate classification (germline): Uncertain significance (1 of 4 stars; one submission).

Conditions:
EP300-related disorder. Also called: EP300-related condition; EP300-related disorders.

Submission:

PreventionGenetics, part of Exact Sciences
Classification: Uncertain significance for EP300-related condition. Last evaluated: 2025-05-07. Review status: criteria provided, single submitter. Criteria: ACMG Guidelines, 2015. Collection method: clinical testing. Allele origin: germline.
Comment: The EP300 c.6611G>A variant is predicted to result in the amino acid substitution p.Gly2204Glu. To our knowledge, this variant has not been reported in the literature or in a large population database (gnomAD), indicating this variant is rare. At this time, the clinical significance of this variant is uncertain due to the absence of conclusive functional and genetic evidence.

NM_001429.4(EP300):c.6611G>A (p.Gly2204Glu)

Gene: EP300 (EP300 lysine acetyltransferase; plus strand). Cytogenetic location: 22q13.2.
Variant type: single nucleotide variant.
Coding change: c.6611G>A on transcript NM_001429.4 (MANE Select); coding-DNA position 6611, G replaced by A.
Protein change: p.Gly2204Glu; replaces glycine 2204 with glutamic acid.
Molecular consequence: missense variant.
Genome position (GRCh38, 1-based): chr22:41,178,322, G>A. VCF-style: chr22-41178322-G-A. GRCh37 (hg19) VCF-style: chr22-41574326-G-A.
Other names: c.6533G>A, p.Gly2178Glu (NM_001362843.2); short protein forms G2204E, G2178E.
Identifiers: ClinVar variation 4999810 (VCV004999810.1).